The following is an entry in ClinVar:

ClinVar aggregate classification (germline): Conflicting classifications of pathogenicity. Review status: criteria provided, conflicting classifications (1 of 4 stars). 4 submissions from 4 submitters: Uncertain significance (3); Likely benign (1). Last evaluated 2022-10-01.

Conditions:
Inborn genetic diseases. Identifiers: MedGen C0950123, MeSH D030342.

Allele frequency attached by ClinVar (database versions not stated): ExAC 0.00002; gnomAD exomes 0.00002 and 0.00003; TOPMed 0.00003; gnomAD 0.00005 and 0.00006.
gnomAD v4.1: 50 of 1,598,342 alleles (0.0031%); highest among the groups gnomAD compares: African/African-American, 0.013%; no homozygotes.

Submissions (4):

CeGaT Center for Human Genetics Tuebingen
Classification: Uncertain significance. Last evaluated: 2022-10-01. Review status: criteria provided, single submitter. Criteria: CeGaT Center For Human Genetics Tuebingen Variant Classification Criteria Version 2. Collection method: clinical testing. Allele origin: germline. Affected: yes. Observed: 1 variant allele.
Comment: RTEL1: PM1, BP4

Blueprint Genetics
Classification: Uncertain significance. Last evaluated: 2022-03-16. Review status: criteria provided, single submitter. Criteria: ACMG Guidelines, 2015. Collection method: clinical testing. Allele origin: germline.

Ambry Genetics
Classification: Likely benign for Inborn genetic diseases. Last evaluated: 2021-12-03. Review status: criteria provided, single submitter. Criteria: Ambry Variant Classification Scheme 2023. Collection method: clinical testing. Allele origin: germline.

GeneDx
Classification: Uncertain significance. Last evaluated: 2019-10-04. Review status: criteria provided, single submitter. Criteria: GeneDx Variant Classification Process June 2021. Collection method: clinical testing. Allele origin: germline. Affected: yes.
Comment: In silico analysis, which includes splice predictors and evolutionary conservation, supports that this variant does not alter protein structure/function; Has not been previously published as pathogenic or benign to our knowledge

NM_001283009.2(RTEL1):c.396-68C>T

Genes: RTEL1-TNFRSF6B (RTEL1-TNFRSF6B readthrough (NMD candidate); plus strand), RTEL1 (regulator of telomere elongation helicase 1; plus strand). Cytogenetic location: 20q13.33.
Variant type: single nucleotide variant.
Coding change: c.396-68C>T on transcript NM_001283009.2 (MANE Select); 68 bases into the intron before coding-DNA position 396, C replaced by T.
Molecular consequence: intron variant. On other transcripts: missense variant (1).
Genome position (GRCh38, 1-based): chr20:63,662,478, C>T. VCF-style: chr20-63662478-C-T. GRCh37 (hg19) VCF-style: chr20-62293831-C-T.
Other names: c.400C>T, p.Arg134Cys (NM_032957.5); c.-274-68C>T (NM_001283010.1); c.396-68C>T (NM_016434.4); short protein forms R134C.
Identifiers: ClinVar variation 636632 (VCV000636632.30), dbSNP rs773832819, ClinGen allele CA9964234.